The following is an entry in ClinVar:

ClinVar aggregate classification (germline): Uncertain significance (1 of 4 stars; one submission).

Conditions:
Catecholaminergic polymorphic ventricular tachycardia 1. Also called: RYR2-Related Catecholaminergic Polymorphic Ventricular Tachycardia; VENTRICULAR TACHYCARDIA, STRESS-INDUCED POLYMORPHIC 1; VENTRICULAR TACHYCARDIA, CATECHOLAMINERGIC POLYMORPHIC, 1, WITH OR WITHOUT ATRIAL DYSFUNCTION AND/OR DILATED CARDIOMYOPATHY. Identifiers: Orphanet 3286, MedGen C1631597, MONDO:0011484, OMIM 604772.

gnomAD v4.1: 2 of 1,613,490 alleles (0.00012%); highest among the groups gnomAD compares: Non-Finnish European, 0.00017%; no homozygotes.

Submission:

Labcorp Genetics (formerly Invitae), Labcorp
Classification: Uncertain significance for Catecholaminergic polymorphic ventricular tachycardia 1. Last evaluated: 2025-11-18. Review status: criteria provided, single submitter. Criteria: Invitae Variant Classification Sherloc (09022015). Collection method: clinical testing. Allele origin: germline.
Comment: This sequence change replaces glycine, which is neutral and non-polar, with aspartic acid, which is acidic and polar, at codon 127 of the CASQ2 protein (p.Gly127Asp). This variant is present in population databases (rs761169437, gnomAD 0.0009%). This variant has not been reported in the literature in individuals affected with CASQ2-related conditions. Invitae Evidence Modeling of protein sequence and biophysical properties (such as structural, functional, and spatial information, amino acid conservation, physicochemical variation, residue mobility, and thermodynamic stability) has been performed for this missense variant. However, the output from this modeling did not meet the statistical confidence thresholds required to predict the impact of this variant on CASQ2 protein function. In summary, the available evidence is currently insufficient to determine the role of this variant in disease. Therefore, it has been classified as a Variant of Uncertain Significance.

NM_001232.4(CASQ2):c.380G>A (p.Gly127Asp)

Gene: CASQ2 (calsequestrin 2; minus strand). Cytogenetic location: 1p13.1.
Variant type: single nucleotide variant.
Coding change: c.380G>A on transcript NM_001232.4 (MANE Select); coding-DNA position 380, G replaced by A.
Protein change: p.Gly127Asp; replaces glycine 127 with aspartic acid.
Molecular consequence: missense variant.
Genome position (GRCh38, 1-based): chr1:115,740,768, C>T on the plus strand (G>A on the coding strand, the complement: CASQ2 is on the minus strand). VCF-style: chr1-115740768-C-T. GRCh37 (hg19) VCF-style: chr1-116283389-C-T.
Other names: short protein forms G127D.
Identifiers: ClinVar variation 4699286 (VCV004699286.1).